The following is an entry in ClinVar:

ClinVar aggregate classification (germline): Likely benign. Review status: criteria provided, single submitter (1 of 4 stars). 2 submissions from 2 submitters: Likely benign (1). 1 of the submissions does not count toward it. Last evaluated 2017-12-12.

Conditions:
SH2B1-related disorder. Also called: SH2B1-related condition.

Allele frequency attached by ClinVar (database versions not stated): ExAC 0.00002; TOPMed 0.00002; gnomAD exomes 0.00005; gnomAD 0.00010.
gnomAD v4.1: 84 of 1,607,256 alleles (0.0052%); highest among the groups gnomAD compares: Non-Finnish European, 0.0064%; no homozygotes.

Submissions (2):

Labcorp Genetics (formerly Invitae), Labcorp
Classification: Likely benign. Last evaluated: 2017-12-12. Review status: criteria provided, single submitter. Criteria: Invitae Variant Classification Sherloc (09022015). Collection method: clinical testing. Allele origin: germline.

PreventionGenetics, part of Exact Sciences
Classification: Uncertain significance for SH2B1-related condition. Last evaluated: 2024-07-25. Review status: no assertion criteria provided. Collection method: clinical testing. Allele origin: germline. Not counted in ClinVar's aggregate classification.
Comment: The SH2B1 c.2021C>T variant is predicted to result in the amino acid substitution p.Pro674Leu. To our knowledge, this variant has not been reported in the literature. This variant is reported in 0.0088% of alleles in individuals of European (non-Finnish) descent in gnomAD. At this time, the clinical significance of this variant is uncertain due to the absence of conclusive functional and genetic evidence.

NM_001387430.1(SH2B1):c.1898-207C>T

Gene: SH2B1 (SH2B adaptor protein 1; plus strand). Cytogenetic location: 16p11.2.
Variant type: single nucleotide variant.
Coding change: c.1898-207C>T on transcript NM_001387430.1 (MANE Select); 207 bases into the intron before coding-DNA position 1898, C replaced by T.
Molecular consequence: intron variant. On other transcripts: synonymous variant (4), missense variant (1).
Genome position (GRCh38, 1-based): chr16:28,873,240, C>T. VCF-style: chr16-28873240-C-T. GRCh37 (hg19) VCF-style: chr16-28884561-C-T.
Other names: c.1968C>T, p.Thr656= (NM_001145796.2, NM_001145812.2, NM_015503.3); c.2021C>T, p.Pro674Leu (NM_001145797.2); c.960C>T, p.Thr320= (NM_001308294.2); c.1898-207C>T (NM_001308293.2, NM_001387404.1, NM_001145795.2); c.2021C>T (NM_001145797.1); short protein forms P674L.
Identifiers: ClinVar variation 730268 (VCV000730268.4), dbSNP rs779652630, ClinGen allele CA7986364.